The following is an entry in ClinVar:

ClinVar aggregate classification (germline): Likely benign (1 of 4 stars; one submission).

Submission:

CeGaT Center for Human Genetics Tuebingen
Classification: Likely benign. Last evaluated: 2025-12-01. Review status: criteria provided, single submitter. Criteria: CeGaT Center For Human Genetics Tuebingen Variant Classification Criteria Version 2. Collection method: clinical testing. Allele origin: germline. Affected: yes. Observed: 1 variant allele.
Comment: POLR2A: BP4, BS1

NM_000937.5(POLR2A):c.4607-9_4607-6del

Gene: POLR2A (RNA polymerase II subunit A; plus strand). Cytogenetic location: 17p13.1.
Variant type: Deletion.
Coding change: c.4607-9_4607-6del on transcript NM_000937.5 (MANE Select); 9 bases into the intron before coding-DNA position 4607 through 6 bases into the intron before coding-DNA position 4607, 4 bases deleted (ACTC; older notation c.4607-9_4607-6delACTC).
Molecular consequence: intron variant.
Genome position (GRCh38, 1-based): chr17:7,512,765-7,512,768, ACTC deleted; deleting any 4 consecutive bases within chr17:7,512,762-7,512,768 gives the same sequence; the c. name uses the placement nearest the transcript's 3' end. VCF-style (leftmost placement, unchanged base first): chr17-7512761-TCTCA-T. GRCh37 (hg19) VCF-style: chr17-7416080-TCTCA-T.
Identifiers: ClinVar variation 4681426 (VCV004681426.5).